The following is an entry in ClinVar:

NM_001024845.3(SLC6A9):c.1403G>C (p.Cys468Ser)

Gene: SLC6A9 (solute carrier family 6 member 9; minus strand). Cytogenetic location: 1p34.1.
Variant type: single nucleotide variant.
Coding change: c.1403G>C on transcript NM_001024845.3 (MANE Select); coding-DNA position 1403, G replaced by C.
Protein change: p.Cys468Ser; replaces cysteine 468 with serine.
Molecular consequence: missense variant. On other transcripts: non-coding transcript variant (1).
Genome position (GRCh38, 1-based): chr1:44,000,988, C>G on the plus strand (G>C on the coding strand, the complement: SLC6A9 is on the minus strand). VCF-style: chr1-44000988-C-G. GRCh37 (hg19) VCF-style: chr1-44466660-C-G.
Other names: c.1415G>C, p.Cys472Ser (NM_001261380.2); c.1070G>C, p.Cys357Ser (NM_001328626.2, NM_001328630.2); c.1340G>C, p.Cys447Ser (NM_001328627.1); c.1208G>C, p.Cys403Ser (NM_001328628.1); c.1403G>C, p.Cys468Ser (NM_001328629.1); c.1460G>C, p.Cys487Ser (NM_006934.4); c.1622G>C, p.Cys541Ser (NM_201649.4); short protein forms C357S, C403S, C447S, C468S, C472S, C487S, C541S.
Identifiers: ClinVar variation 2634075 (VCV002634075.1), dbSNP rs560460657, ClinGen allele CA21712210.

ClinVar aggregate classification (germline): Uncertain significance (1 of 4 stars; one submission).

Conditions:
SLC6A9-related disorder. Also called: SLC6A9-related condition.

gnomAD v4.1: 5 of 1,590,180 alleles (0.00031%); highest among the groups gnomAD compares: South Asian, 0.0034%; no homozygotes.

Submission:

PreventionGenetics, part of Exact Sciences
Classification: Uncertain significance for SLC6A9-related condition. Last evaluated: 2022-12-28. Review status: criteria provided, single submitter. Criteria: ACMG Guidelines, 2015. Collection method: clinical testing. Allele origin: germline.
Comment: The SLC6A9 c.1622G>C variant is predicted to result in the amino acid substitution p.Cys541Ser. To our knowledge, this variant has not been reported in the literature. This variant is reported in 0.0038% of alleles in individuals of South Asian descent in gnomAD. At this time, the clinical significance of this variant is uncertain due to the absence of conclusive functional and genetic evidence.